The following is an entry in ClinVar:

NC_000002.11:g.(?_166897721)_(167163604_?)dup

Genes: SCN9A (sodium voltage-gated channel alpha subunit 9; minus strand), SCN1A (sodium voltage-gated channel alpha subunit 1; minus strand). Cytogenetic location: 2q24.3.
Variant type: Duplication.
Identifiers: ClinVar variation 1410298 (VCV001410298.5).

ClinVar aggregate classification (germline): Uncertain significance. Review status: criteria provided, single submitter (1 of 4 stars). 2 submissions from 1 submitter: Uncertain significance (2). Last evaluated 2021-04-16.

Conditions:
Generalized epilepsy with febrile seizures plus, type 7 (GEFSP7). Also called: GEFS+, TYPE 7. Identifiers: Orphanet 36387, MedGen C2751778, MONDO:0013470, OMIM 613863.
Neuropathy, hereditary sensory and autonomic, type 2A (HSAN2A). Also called: WNK1-Related HSAN2 (HSAN2A); MORVAN DISEASE; NEUROPATHY, CONGENITAL SENSORY; NEUROPATHY, HEREDITARY SENSORY RADICULAR, AUTOSOMAL RECESSIVE; NEUROPATHY, HEREDITARY SENSORY, TYPE IIA; NEUROPATHY, PROGRESSIVE SENSORY, OF CHILDREN. Identifiers: Orphanet 970, MedGen C2752089, MONDO:0024309, OMIM 201300.
Developmental and epileptic encephalopathy. Identifiers: MedGen C5779964, MONDO:0100620.

Submissions (2):

Labcorp Genetics (formerly Invitae), Labcorp
Classification: Uncertain significance for Neuropathy, hereditary sensory and autonomic, type 2A; Generalized epilepsy with febrile seizures plus, type 7. Last evaluated: 2021-04-16. Review status: criteria provided, single submitter. Criteria: Invitae Variant Classification Sherloc (09022015). Collection method: clinical testing. Allele origin: germline.
Comment: In summary, the available evidence is currently insufficient to determine the role of this variant in disease. Therefore, it has been classified as a Variant of Uncertain Significance. This variant has not been reported in the literature in individuals with SCN9A-related conditions. This variant results in a copy number gain of the genomic region encompassing exon(s) 3-27 of the SCN9A gene. The 5' boundary is likely confined to intron 2. The 3' end of this event is unknown as it extends beyond the assayed region for this gene and therefore may encompass additional genes. As the precise location of this event is unknown, it may be in tandem or it may be located elsewhere in the genome.

Labcorp Genetics (formerly Invitae), Labcorp
Classification: Uncertain significance for Early-infantile DEE. Last evaluated: 2021-04-16. Review status: criteria provided, single submitter. Criteria: Invitae Variant Classification Sherloc (09022015). Collection method: clinical testing. Allele origin: germline.
Comment: In summary, the available evidence is currently insufficient to determine the role of this variant in disease. Therefore, it has been classified as a Variant of Uncertain Significance. This variant has not been reported in the literature in individuals with SCN1A-related conditions. This variant results in a copy number gain of the genomic region encompassing exon(s) 1-13 of the SCN1A gene. This region includes the initiator codon of the gene. The 5' end of this event is unknown as it extends beyond the assayed region for this gene and therefore may encompass additional genes. The 3' boundary is likely confined to intron 13 of the SCN1A gene. As the precise location of this event is unknown, it may be in tandem or it may be located elsewhere in the genome.